The following is an entry in ClinVar:

NM_000123.4(ERCC5):c.88+3A>G

Genes: BIVM-ERCC5 (BIVM-ERCC5 readthrough; plus strand), ERCC5 (ERCC excision repair 5, endonuclease; plus strand). Cytogenetic location: 13q33.1.
Variant type: single nucleotide variant.
Coding change: c.88+3A>G on transcript NM_000123.4 (MANE Select); 3 bases into the intron after coding-DNA position 88, A replaced by G.
Molecular consequence: intron variant.
Genome position (GRCh38, 1-based): chr13:102,846,357, A>G. VCF-style: chr13-102846357-A-G. GRCh37 (hg19) VCF-style: chr13-103498707-A-G.
Other names: c.1451-5761A>G (NM_001204425.2).
Identifiers: ClinVar variation 2873453 (VCV002873453.3), dbSNP rs2501509792, ClinGen allele CA2739277706.
Genomic context (GRCh38, chr13:102,846,357, plus strand): 5'-GAGTGCTCCGGGCGGCAGGTCAGCCCCGAAGCGCTGGAAGGGAAGATCCTGGCTGTTGGT[A>G]TCCTTAACGCCGCGTTGGGACTTGGGGTGCAGGGATTCGGGGCTGGATTCCTCGCGGGGC-3'

ClinVar aggregate classification (germline): Likely pathogenic (1 of 4 stars; one submission).

Submission:

Labcorp Genetics (formerly Invitae), Labcorp
Classification: Likely pathogenic. Last evaluated: 2023-04-15. Review status: criteria provided, single submitter. Criteria: Invitae Variant Classification Sherloc (09022015). Collection method: clinical testing. Allele origin: germline.
Comment: This sequence change falls in intron 1 of the ERCC5 gene. It does not directly change the encoded amino acid sequence of the ERCC5 protein. It affects a nucleotide within the consensus splice site. This variant is not present in population databases (gnomAD no frequency). This variant has been observed in individual(s) with clinical features of xeroderma pigmentosum (Invitae). Variants that disrupt the consensus splice site are a relatively common cause of aberrant splicing (PMID: 17576681, 9536098). Algorithms developed to predict the effect of sequence changes on RNA splicing suggest that this variant may disrupt the consensus splice site. In summary, the currently available evidence indicates that the variant is pathogenic, but additional data are needed to prove that conclusively. Therefore, this variant has been classified as Likely Pathogenic.

Literature cited by the submitters: PubMed 17576681; PubMed 9536098.